The following is an entry in ClinVar:

NM_016373.4(WWOX):c.946G>C (p.Val316Leu)

Gene: WWOX (WW domain containing oxidoreductase; plus strand). Cytogenetic location: 16q23.1.
Variant type: single nucleotide variant.
Coding change: c.946G>C on transcript NM_016373.4 (MANE Select); coding-DNA position 946, G replaced by C.
Protein change: p.Val316Leu; replaces valine 316 with leucine.
Molecular consequence: missense variant.
Genome position (GRCh38, 1-based): chr16:78,432,642, G>C. VCF-style: chr16-78432642-G-C. GRCh37 (hg19) VCF-style: chr16-78466539-G-C.
Other names: c.607G>C, p.Val203Leu (NM_001291997.2); short protein forms V316L, V203L.
Identifiers: ClinVar variation 473036 (VCV000473036.15), dbSNP rs201941494, ClinGen allele CA8183571.

ClinVar aggregate classification (germline): Uncertain significance. Review status: criteria provided, multiple submitters, no conflicts (2 of 4 stars). 4 submissions from 4 submitters: Uncertain significance (3). 1 of the submissions does not count toward it. Last evaluated 2024-11-20.

Conditions:
Autosomal recessive spinocerebellar ataxia 12. Also called: SPINOCEREBELLAR ATAXIA WITH MENTAL RETARDATION AND EPILEPSY. Identifiers: Orphanet 284282, MedGen C3280452, MONDO:0013687, OMIM 614322.
Developmental and epileptic encephalopathy, 1 (DEE1). Also called: X-linked infantile spasms; West's syndrome; Tonic spasms with clustering, arrest of psychomotor development and hypsarrhythmia on EEG; X-Linked Infantile Spasm Syndrome; OHTAHARA SYNDROME, X-LINKED; INFANTILE SPASM SYNDROME, X-LINKED 1. Identifiers: MedGen C3463992, MONDO:0010632, OMIM 308350. Disease mechanism: loss of function.
Developmental and epileptic encephalopathy, 28 (DEE28). Also called: Epileptic encephalopathy, early infantile, 28. Identifiers: Orphanet 442835, MedGen C4015519, MONDO:0014533, OMIM 616211.

Allele frequency attached by ClinVar (database versions not stated): ExAC 0.00012; TOPMed 0.00012; gnomAD 0.00013 and 0.00014; gnomAD exomes 0.00013; ESP Exome Variant Server 0.00016.
gnomAD v4.1: 514 of 1,614,108 alleles (0.032%); highest among the groups gnomAD compares: Non-Finnish European, 0.042%; 2 homozygotes.

Submissions (4):

Blueprint Genetics
Classification: Uncertain significance. Last evaluated: 2024-11-20. Review status: criteria provided, single submitter. Criteria: ACMG Guidelines, 2015. Collection method: clinical testing. Allele origin: germline.

Greenwood Genetic Center Diagnostic Laboratories, Greenwood Genetic Center
Classification: Uncertain significance. Last evaluated: 2024-07-16. Review status: criteria provided, single submitter. Criteria: ACMG Guidelines, 2015. Collection method: clinical testing. Allele origin: germline. Affected: yes.
Comment: PM3_Supporting

Labcorp Genetics (formerly Invitae), Labcorp
Classification: Uncertain significance for Developmental and epileptic encephalopathy, 1; Autosomal recessive spinocerebellar ataxia 12. Last evaluated: 2023-12-22. Review status: criteria provided, single submitter. Criteria: Invitae Variant Classification Sherloc (09022015). Collection method: clinical testing. Allele origin: germline.
Comment: This sequence change replaces valine, which is neutral and non-polar, with leucine, which is neutral and non-polar, at codon 316 of the WWOX protein (p.Val316Leu). This variant is present in population databases (rs201941494, gnomAD 0.03%). This variant has not been reported in the literature in individuals affected with WWOX-related conditions. ClinVar contains an entry for this variant (Variation ID: 473036). Advanced modeling of protein sequence and biophysical properties (such as structural, functional, and spatial information, amino acid conservation, physicochemical variation, residue mobility, and thermodynamic stability) performed at Invitae indicates that this missense variant is not expected to disrupt WWOX protein function with a negative predictive value of 80%. In summary, the available evidence is currently insufficient to determine the role of this variant in disease. Therefore, it has been classified as a Variant of Uncertain Significance.

Department of Developmental Neurology, Medical University of Gdansk
No classification provided. Condition: Developmental and epileptic encephalopathy, 28. Review status: no classification provided. Collection method: phenotyping only. Allele origin: unknown. Inheritance: Autosomal recessive inheritance. Affected: yes. Observed: 1 compound heterozygote. Not counted in ClinVar's aggregate classification.